The following is an entry in ClinVar:

ClinVar aggregate classification (germline): Uncertain significance. Review status: criteria provided, multiple submitters, no conflicts (2 of 4 stars). 2 submissions from 2 submitters: Uncertain significance (2). Last evaluated 2024-10-24.

Conditions:
Peroxisome biogenesis disorder 7A (Zellweger). Also called: Peroxisome biogenesis disorder 7A. Identifiers: Orphanet 912, MedGen C3888385, MONDO:0013938, OMIM 614872.
Peroxisome biogenesis disorder 7B (PBD7B). Identifiers: Orphanet 44, MedGen C3553951, MONDO:0013939, OMIM 614873.

Allele frequency attached by ClinVar (database versions not stated): gnomAD exomes below 0.00001 and 0.00001; gnomAD 0.00002; TOPMed 0.00002.
gnomAD v4.1: 5 of 1,571,032 alleles (0.00032%); highest among the groups gnomAD compares: African/African-American, 0.0067%; no homozygotes.

Submissions (2):

Labcorp Genetics (formerly Invitae), Labcorp
Classification: Uncertain significance for Peroxisome biogenesis disorder 7A (Zellweger); Peroxisome biogenesis disorder 7B. Last evaluated: 2024-10-24. Review status: criteria provided, single submitter. Criteria: Invitae Variant Classification Sherloc (09022015). Collection method: clinical testing. Allele origin: germline.
Comment: This sequence change replaces glutamic acid, which is acidic and polar, with aspartic acid, which is acidic and polar, at codon 40 of the PEX26 protein (p.Glu40Asp). This variant is present in population databases (no rsID available, gnomAD 0.01%). This variant has not been reported in the literature in individuals affected with PEX26-related conditions. ClinVar contains an entry for this variant (Variation ID: 597903). Invitae Evidence Modeling of protein sequence and biophysical properties (such as structural, functional, and spatial information, amino acid conservation, physicochemical variation, residue mobility, and thermodynamic stability) indicates that this missense variant is not expected to disrupt PEX26 protein function with a negative predictive value of 95%. In summary, the available evidence is currently insufficient to determine the role of this variant in disease. Therefore, it has been classified as a Variant of Uncertain Significance.

Eurofins Ntd Llc (ga)
Classification: Uncertain significance. Last evaluated: 2018-07-05. Review status: criteria provided, single submitter. Criteria: EGL ClinVar v180209 classification definitions. Collection method: clinical testing. Allele origin: germline. Observed: 1 variant allele, 1 heterozygote.

NM_001127649.3(PEX26):c.120G>C (p.Glu40Asp)

Gene: PEX26 (peroxisomal biogenesis factor 26; plus strand). Cytogenetic location: 22q11.21.
Variant type: single nucleotide variant.
Coding change: c.120G>C on transcript NM_001127649.3 (MANE Select); coding-DNA position 120, G replaced by C.
Protein change: p.Glu40Asp; replaces glutamic acid 40 with aspartic acid.
Molecular consequence: missense variant.
Genome position (GRCh38, 1-based): chr22:18,078,496, G>C. VCF-style: chr22-18078496-G-C. GRCh37 (hg19) VCF-style: chr22-18561262-G-C.
Other names: c.120G>C, p.Glu40Asp (NM_001199319.2, NM_017929.6); short protein forms E40D.
Identifiers: ClinVar variation 597903 (VCV000597903.8), dbSNP rs1010208134, ClinGen allele CA321284395.
Genomic context (GRCh38, chr22:18,078,496, plus strand): 5'-CAGCAGCGAGCCGGTGCGCGCGGTCCCGGCCCGGGCGCCGGCCGTGGACCTTCTGGAGGA[G>C]GCGGCCGACCTCCTGGTGGTGCACCTGGACTTCCGGGCGGCGCTGGAGACCTGCGAGCGG-3'
Protein context (NP_001121121.1, residues 30-50): ARAPAVDLLE[Glu40Asp]AADLLVVHLD